The following is an entry in ClinVar:

NM_000193.4(SHH):c.*10dup

Gene: SHH (sonic hedgehog signaling molecule; minus strand). Cytogenetic location: 7q36.3.
Variant type: Duplication.
Coding change: c.*10dup on transcript NM_000193.4 (MANE Select); 10 bases downstream of the stop codon, one base duplicated (G; older notation c.*10dupG).
Molecular consequence: 3 prime UTR variant. On other transcripts: intron variant (1).
Genome position (GRCh38, 1-based): chr7:155,802,890, C duplicated on the plus strand (G on the coding strand, the reverse complement: SHH is on the minus strand); the first of 6 consecutive C bases (chr7:155,802,890-155,802,895); duplicating any one gives the same sequence. VCF-style (leftmost placement, unchanged base first): chr7-155802889-G-GC. GRCh37 (hg19) VCF-style: chr7-155595583-G-GC.
Other names: c.302-2645dup (NM_001310462.2).
Identifiers: ClinVar variation 1314439 (VCV001314439.3), dbSNP rs747055674, ClinGen allele CA4586866.

ClinVar aggregate classification (germline): Conflicting classifications of pathogenicity. Review status: criteria provided, conflicting classifications (1 of 4 stars). 2 submissions from 2 submitters: Uncertain significance (1); Likely benign (1). Last evaluated 2022-06-25.

Submissions (2):

Blueprint Genetics
Classification: Likely benign. Last evaluated: 2022-06-25. Review status: criteria provided, single submitter. Criteria: ACMG Guidelines, 2015. Collection method: clinical testing. Allele origin: germline.

GeneDx
Classification: Uncertain significance. Last evaluated: 2021-04-02. Review status: criteria provided, single submitter. Criteria: GeneDx Variant Classification Process June 2021. Collection method: clinical testing. Allele origin: germline. Affected: yes.
Comment: In silico analysis suggests this variant does not impact gene splicing. In the absence of RNA/functional studies, the actual effect of this sequence change is unknown.; Has not been previously published as pathogenic or benign to our knowledge; Located in the 3' untranslated region of SHH